The following is an entry in ClinVar:

ClinVar aggregate classification (germline): Likely pathogenic (1 of 4 stars; one submission).

Conditions:
Multiple acyl-CoA dehydrogenase deficiency (MADD). Also called: Glutaric Acidemia type 2; ETHYLMALONIC-ADIPICACIDURIA; GA II; Glutaric aciduria, type 2; Glutaric acidemia type II; GA 2. Identifiers: Orphanet 26791, MedGen C0268596, MONDO:0009282, OMIM 231680.

Submission:

Kariminejad - Najmabadi Pathology & Genetics Center
Classification: Likely pathogenic for Multiple acyl-CoA dehydrogenase deficiency. Last evaluated: 2022-01-27. Review status: criteria provided, single submitter. Criteria: ACMG Guidelines, 2015. Collection method: clinical testing. Allele origin: germline. Inheritance: Autosomal recessive inheritance. Affected: yes.
Comment: PVS1 PM2

NM_004453.4(ETFDH):c.172dup (p.Glu58fs)

Gene: ETFDH (electron transfer flavoprotein dehydrogenase; plus strand). Cytogenetic location: 4q32.1.
Variant type: Duplication.
Coding change: c.172dup on transcript NM_004453.4 (MANE Select); coding-DNA position 172, one base duplicated (G; older notation c.172dupG).
Protein change: p.Glu58fs; shifts the reading frame from glutamic acid 58.
Molecular consequence: frameshift variant. On other transcripts: intron variant (1).
Genome position (GRCh38, 1-based): chr4:158,680,604, G duplicated; the last of 3 consecutive G bases (chr4:158,680,602-158,680,604); duplicating any one gives the same sequence. VCF-style (leftmost placement, unchanged base first): chr4-158680601-T-TG. GRCh37 (hg19) VCF-style: chr4-159601753-T-TG.
Other names: c.35-1591dup (NM_001281737.2); short protein forms E58fs.
Identifiers: ClinVar variation 3896861 (VCV003896861.1).
Genomic context (GRCh38, chr4:158,680,601, plus strand): 5'-TCTACTGTGCCTCGAATTACTACCCATTATACTATTTATCCCCGGGATAAGGACAAGAGA[T>TG]GGGAAGGTAAGTAATAATTTGTGTACAATTCCTGAGACTTTTCTGGATACTTTGTTTTCA-3'